The following is an entry in ClinVar:

ClinVar aggregate classification (germline): Benign. Review status: criteria provided, multiple submitters, no conflicts (2 of 4 stars). 2 submissions from 2 submitters: Benign (2). Last evaluated 2018-06-14.

Allele frequency attached by ClinVar (database versions not stated): 1000 Genomes Project 30x 0.01374; 1000 Genomes Project 0.01398; TOPMed 0.02088; ESP Exome Variant Server 0.02484; ExAC 0.02534; gnomAD 0.02535 and 0.02584; gnomAD exomes 0.02617 and 0.03394.
gnomAD v4.1: 51,611 of 1,566,658 alleles (3.3%); highest among the groups gnomAD compares: Non-Finnish European, 3.8%; 1,044 homozygotes.

Submissions (2):

GeneDx
Classification: Benign. Last evaluated: 2018-06-14. Review status: criteria provided, single submitter. Criteria: GeneDx Variant Classification (06012015). Collection method: clinical testing. Allele origin: germline. Affected: yes.
Comment: This variant is considered likely benign or benign based on one or more of the following criteria: it is a conservative change, it occurs at a poorly conserved position in the protein, it is predicted to be benign by multiple in silico algorithms, and/or has population frequency not consistent with disease.

Breakthrough Genomics
Classification: Benign. Review status: criteria provided, single submitter. Criteria: ACMG Guidelines, 2015. Collection method: not provided. Allele origin: germline. Inheritance: Autosomal dominant inheritance. Affected: yes.

NM_001040142.2(SCN2A):c.267+51G>A

Gene: SCN2A (sodium voltage-gated channel alpha subunit 2; plus strand). Cytogenetic location: 2q24.3.
Variant type: single nucleotide variant.
Coding change: c.267+51G>A on transcript NM_001040142.2 (MANE Select); 51 bases into the intron after coding-DNA position 267, G replaced by A.
Molecular consequence: intron variant.
Genome position (GRCh38, 1-based): chr2:165,296,141, G>A. VCF-style: chr2-165296141-G-A. GRCh37 (hg19) VCF-style: chr2-166152651-G-A.
Other names: c.267+51G>A (NM_001040143.2, NM_001371246.1, NM_001371247.1 and 1 more transcripts).
Identifiers: ClinVar variation 670811 (VCV000670811.2), dbSNP rs111535588, ClinGen allele CA1939569.